The following is an entry in ClinVar:

NM_000384.3(APOB):c.4676C>T (p.Ala1559Val)

Gene: APOB (apolipoprotein B; minus strand). Cytogenetic location: 2p24.1.
Variant type: single nucleotide variant.
Coding change: c.4676C>T on transcript NM_000384.3 (MANE Select); coding-DNA position 4676, C replaced by T.
Protein change: p.Ala1559Val; replaces alanine 1559 with valine.
Molecular consequence: missense variant.
Genome position (GRCh38, 1-based): chr2:21,012,192, G>A on the plus strand (C>T on the coding strand, the complement: APOB is on the minus strand). VCF-style: chr2-21012192-G-A. GRCh37 (hg19) VCF-style: chr2-21235064-G-A.
Other names: short protein forms A1559V.
Identifiers: ClinVar variation 702660 (VCV000702660.58), dbSNP rs549741449, ClinGen allele CA061200.

ClinVar aggregate classification (germline): Conflicting classifications of pathogenicity. Review status: criteria provided, conflicting classifications (1 of 4 stars). 4 submissions from 4 submitters: Uncertain significance (1); Likely benign (3). Last evaluated 2026-07-31.

Conditions:
Cardiovascular phenotype. Identifiers: MedGen CN230736.
Familial hypobetalipoproteinemia 1. Also called: APOB-Related Familial Hypobetalipoproteinemia; Hypobetalipoproteinemia, normotriglyceridemic; Acanthocytosis with hypobetalipoproteinemia. Identifiers: MedGen C4551990, MONDO:0014252, OMIM 615558.
Hypercholesterolemia, autosomal dominant, type B (FHCL2). Also called: HYPERCHOLESTEROLEMIA, FAMILIAL, DUE TO LIGAND-DEFECTIVE APOLIPOPROTEIN B; Hyperlipoproteinemia Type IIb; Familial Hypercholesterolemia Type B; Familial hypercholesterolemia 2; APOLIPOPROTEIN B-100, FAMILIAL DEFECTIVE; APOLIPOPROTEIN B-100, FAMILIAL LIGAND-DEFECTIVE. Identifiers: MedGen C1704417, MONDO:0007751, OMIM 144010.

Allele frequency attached by ClinVar (database versions not stated): gnomAD exomes 0.00008 and 0.00016; 1000 Genomes Project 30x 0.00031; TOPMed 0.00001; gnomAD 0.00006 and below 0.00001; ExAC 0.00017; 1000 Genomes Project 0.00040.
gnomAD v4.1: 129 of 1,602,398 alleles (0.0081%); highest among the groups gnomAD compares: South Asian, 0.14%; no homozygotes.

Submissions (4):

GeneDx
Classification: Uncertain significance. Last evaluated: 2026-07-31. Review status: criteria provided, single submitter. Criteria: GeneDx Variant Classification Process June 2021. Collection method: clinical testing. Allele origin: germline.
Comment: Seen with another variant in APOB in an unknown phase in a family with primary angle closure glaucoma (PACG); this family also harbored many other variants in many other genes (PMID: 36833422); In silico analysis suggests that this missense variant does not alter protein structure/function; This variant is associated with the following publications: (PMID: 36833422)

Labcorp Genetics (formerly Invitae), Labcorp
Classification: Likely benign for Familial hypobetalipoproteinemia 1; Hypercholesterolemia, autosomal dominant, type B. Last evaluated: 2025-07-30. Review status: criteria provided, single submitter. Criteria: Invitae Variant Classification Sherloc (09022015). Collection method: clinical testing. Allele origin: germline.

Quest Diagnostics Nichols Institute San Juan Capistrano
Classification: Likely benign. Last evaluated: 2020-12-03. Review status: criteria provided, single submitter. Criteria: Quest Diagnostics criteria. Collection method: clinical testing. Allele origin: unknown.

Ambry Genetics
Classification: Likely benign for Cardiovascular phenotype. Last evaluated: 2020-03-13. Review status: criteria provided, single submitter. Criteria: Ambry Variant Classification Scheme 2023. Collection method: clinical testing. Allele origin: germline.